The following is an entry in ClinVar:

ClinVar aggregate classification (germline): Conflicting classifications of pathogenicity. Review status: criteria provided, conflicting classifications (1 of 4 stars). 3 submissions from 3 submitters: Uncertain significance (2); Likely benign (1). Last evaluated 2025-10-26.

Conditions:
Thyroid dyshormonogenesis 6 (TDH6). Also called: THYROID HORMONOGENESIS, GENETIC DEFECT IN, 6; HYPOTHYROIDISM, CONGENITAL, DUE TO DYSHORMONOGENESIS, 6; Genetic transient congenital hypothyroidism. Identifiers: Orphanet 226316, Orphanet 95716, MedGen C1846632, MONDO:0011792, OMIM 607200.

Allele frequency attached by ClinVar (database versions not stated): gnomAD 0.00012 and 0.00013; gnomAD exomes 0.00012 and 0.00040; TOPMed 0.00015; 1000 Genomes Project 30x 0.00047; ExAC 0.00054; 1000 Genomes Project 0.00060.
gnomAD v4.1: 220 of 1,614,230 alleles (0.014%); highest among the groups gnomAD compares: East Asian, 0.067%; 1 homozygote.

Submissions (3):

Labcorp Genetics (formerly Invitae), Labcorp
Classification: Likely benign. Last evaluated: 2025-10-26. Review status: criteria provided, single submitter. Criteria: Invitae Variant Classification Sherloc (09022015). Collection method: clinical testing. Allele origin: germline.

GeneDx
Classification: Uncertain significance. Last evaluated: 2022-10-06. Review status: criteria provided, single submitter. Criteria: GeneDx Variant Classification Process June 2021. Collection method: clinical testing. Allele origin: germline. Affected: yes.
Comment: In silico analysis supports that this missense variant has a deleterious effect on protein structure/function; This variant is associated with the following publications: (PMID: 33631011)

Revvity Omics, Revvity
Classification: Uncertain significance for Thyroid dyshormonogenesis 6. Last evaluated: 2021-05-12. Review status: criteria provided, single submitter. Criteria: ACMG Guidelines, 2015. Collection method: clinical testing. Allele origin: germline.

NM_001363711.2(DUOX2):c.1268C>T (p.Thr423Ile)

Gene: DUOX2 (dual oxidase 2; minus strand). Cytogenetic location: 15q21.1.
Variant type: single nucleotide variant.
Coding change: c.1268C>T on transcript NM_001363711.2 (MANE Select); coding-DNA position 1268, C replaced by T.
Protein change: p.Thr423Ile; replaces threonine 423 with isoleucine.
Molecular consequence: missense variant.
Genome position (GRCh38, 1-based): chr15:45,108,919, G>A on the plus strand (C>T on the coding strand, the complement: DUOX2 is on the minus strand). VCF-style: chr15-45108919-G-A. GRCh37 (hg19) VCF-style: chr15-45401117-G-A.
Other names: c.1268C>T, p.Thr423Ile (NM_014080.5); c.1268C>T (NM_014080.4); short protein forms T423I.
Identifiers: ClinVar variation 1551268 (VCV001551268.11), dbSNP rs201197899, ClinGen allele CA7538667.
Genomic context (GRCh38, chr15:45,108,919, plus strand): 5'-TGGCTATAGCTGGGCAGCCCCATATCTCGGCCACGTTGGATGCTGCTGGCCACATAGTCT[G>A]TACGGGAGAATTTGCCAGGGCCAGGCCAGTAATCTGAAGAGGAGAGAAGACTAGACTATG-3'
Protein context (NP_001350640.1, residues 413-433): YWPGPGKFSR[Thr423Ile]DYVASSIQRG